The following is an entry in ClinVar:

ClinVar aggregate classification (germline): Uncertain significance. Review status: criteria provided, multiple submitters, no conflicts (2 of 4 stars). 2 submissions from 2 submitters: Uncertain significance (2). Last evaluated 2025-06-08.

Conditions:
Inborn genetic diseases. Identifiers: MedGen C0950123, MeSH D030342.

Submissions (2):

Labcorp Genetics (formerly Invitae), Labcorp
Classification: Uncertain significance. Last evaluated: 2025-06-08. Review status: criteria provided, single submitter. Criteria: Invitae Variant Classification Sherloc (09022015). Collection method: clinical testing. Allele origin: germline.
Comment: This sequence change replaces threonine, which is neutral and polar, with serine, which is neutral and polar, at codon 1279 of the ATR protein (p.Thr1279Ser). This variant is not present in population databases (gnomAD no frequency). This variant has not been reported in the literature in individuals affected with ATR-related conditions. ClinVar contains an entry for this variant (Variation ID: 1735383). An algorithm developed to predict the effect of missense changes on protein structure and function (PolyPhen-2) suggests that this variant is likely to be tolerated. In summary, the available evidence is currently insufficient to determine the role of this variant in disease. Therefore, it has been classified as a Variant of Uncertain Significance.

Ambry Genetics
Classification: Uncertain significance for Inborn genetic diseases. Last evaluated: 2024-04-05. Review status: criteria provided, single submitter. Criteria: Ambry Variant Classification Scheme 2023. Collection method: clinical testing. Allele origin: germline.
Comment: The p.T1279S variant (also known as c.3836C>G), located in coding exon 21 of the ATR gene, results from a C to G substitution at nucleotide position 3836. The threonine at codon 1279 is replaced by serine, an amino acid with similar properties. This amino acid position is conserved. In addition, this alteration is predicted to be tolerated by in silico analysis. Since supporting evidence is limited at this time, the clinical significance of this alteration remains unclear.

NM_001184.4(ATR):c.3836C>G (p.Thr1279Ser)

Gene: ATR (ATR checkpoint kinase; minus strand). Cytogenetic location: 3q23.
Variant type: single nucleotide variant.
Coding change: c.3836C>G on transcript NM_001184.4 (MANE Select); coding-DNA position 3836, C replaced by G.
Protein change: p.Thr1279Ser; replaces threonine 1279 with serine.
Molecular consequence: missense variant.
Genome position (GRCh38, 1-based): chr3:142,535,189, G>C on the plus strand (C>G on the coding strand, the complement: ATR is on the minus strand). VCF-style: chr3-142535189-G-C. GRCh37 (hg19) VCF-style: chr3-142254031-G-C.
Other names: c.3644C>G, p.Thr1215Ser (NM_001354579.2); short protein forms T1279S, T1215S.
Identifiers: ClinVar variation 1735383 (VCV001735383.4), dbSNP rs2108425302, ClinGen allele CA354806389.